The following is an entry in ClinVar:

NM_004461.3(FARSA):c.1347C>T (p.Pro449=)

Gene: FARSA (phenylalanyl-tRNA synthetase subunit alpha; minus strand). Cytogenetic location: 19p13.13.
Variant type: single nucleotide variant.
Coding change: c.1347C>T on transcript NM_004461.3 (MANE Select); coding-DNA position 1347, C replaced by T.
Protein change: p.Pro449=; no amino-acid change (proline 449 retained).
Molecular consequence: synonymous variant.
Genome position (GRCh38, 1-based): chr19:12,924,192, G>A on the plus strand (C>T on the coding strand, the complement: FARSA is on the minus strand). VCF-style: chr19-12924192-G-A. GRCh37 (hg19) VCF-style: chr19-13035006-G-A.
Identifiers: ClinVar variation 3055967 (VCV003055967.2), dbSNP rs1045913, ClinGen allele CA9235042.
Genomic context (GRCh38, chr19:12,924,192, plus strand): 5'-TTTCCACTTGGGCACTTACCGCTCCAGGGAGAGGCCCCAGGCAATGACCGACACGTTCTC[G>A]GGAAGCCCCATGGGCAGCAGCATCTCTGGACGGAAGACCCCCGAGTTTCCGACCTCCACC-3'
Protein context (NP_004452.1, residues 439-459): RPEMLLPMGL[Pro449=]ENVSVIAWGL

ClinVar aggregate classification (germline): Benign (0 of 4 stars; one submission).

Conditions:
FARSA-related disorder. Also called: FARSA-related condition.

Allele frequency attached by ClinVar (database versions not stated): 1000 Genomes Project 0.08007; 1000 Genomes Project 30x 0.08057; ESP Exome Variant Server 0.08273; TOPMed 0.08680; gnomAD 0.08818.
gnomAD v4.1: 178,196 of 1,613,960 alleles (11%); highest among the groups gnomAD compares: Admixed American, 13%; 10,622 homozygotes.

Submission:

PreventionGenetics, part of Exact Sciences
Classification: Benign for FARSA-related condition. Last evaluated: 2019-11-19. Review status: no assertion criteria provided. Collection method: clinical testing. Allele origin: germline.
Comment: This variant is classified as benign based on ACMG/AMP sequence variant interpretation guidelines (Richards et al. 2015 PMID: 25741868, with internal and published modifications).